The following is an entry in ClinVar:

NM_020944.3(GBA2):c.25A>C (p.Met9Leu)

Gene: GBA2 (glucosylceramidase beta 2; minus strand). Cytogenetic location: 9p13.3.
Variant type: single nucleotide variant.
Coding change: c.25A>C on transcript NM_020944.3 (MANE Select); coding-DNA position 25, A replaced by C.
Protein change: p.Met9Leu; replaces methionine 9 with leucine.
Molecular consequence: missense variant.
Genome position (GRCh38, 1-based): chr9:35,748,680, T>G on the plus strand (A>C on the coding strand, the complement: GBA2 is on the minus strand). VCF-style: chr9-35748680-T-G. GRCh37 (hg19) VCF-style: chr9-35748677-T-G.
Other names: p.Met9Leu; c.25A>C, p.Met9Leu (NM_001330660.2); short protein forms M9L.
Identifiers: ClinVar variation 3379864 (VCV003379864.1).

ClinVar aggregate classification (germline): Uncertain significance (1 of 4 stars; one submission).

Submission:

Mayo Clinic Laboratories, Mayo Clinic
Classification: Uncertain significance. Last evaluated: 2023-08-22. Review status: criteria provided, single submitter. Criteria: ACMG Guidelines, 2015. Collection method: clinical testing. Allele origin: germline. Observed: 1 variant allele.
Comment: BP4